The following is an entry in ClinVar:

NM_002755.4(MAP2K1):c.694-148G>C

Gene: MAP2K1 (mitogen-activated protein kinase kinase 1; plus strand). Cytogenetic location: 15q22.31.
Variant type: single nucleotide variant.
Coding change: c.694-148G>C on transcript NM_002755.4 (MANE Select); 148 bases into the intron before coding-DNA position 694, G replaced by C.
Molecular consequence: intron variant.
Genome position (GRCh38, 1-based): chr15:66,484,842, G>C. VCF-style: chr15-66484842-G-C. GRCh37 (hg19) VCF-style: chr15-66777180-G-C.
Identifiers: ClinVar variation 561549 (VCV000561549.1), dbSNP rs73471746, ClinGen allele CA271673876.

ClinVar aggregate classification (germline): Likely benign (1 of 4 stars; one submission).

Allele frequency attached by ClinVar (database versions not stated): TOPMed 0.00374; 1000 Genomes Project 0.00499; 1000 Genomes Project 30x 0.00531.
gnomAD v4.1: 1,665 of 768,728 alleles (0.22%); highest among the groups gnomAD compares: African/African-American, 1.2%; 18 homozygotes.

Submission:

GeneDx
Classification: Likely benign. Last evaluated: 2018-06-16. Review status: criteria provided, single submitter. Criteria: GeneDx Variant Classification (06012015). Collection method: clinical testing. Allele origin: germline. Affected: yes.
Comment: This variant is considered likely benign or benign based on one or more of the following criteria: it is a conservative change, it occurs at a poorly conserved position in the protein, it is predicted to be benign by multiple in silico algorithms, and/or has population frequency not consistent with disease.